The following is an entry in ClinVar:

ClinVar aggregate classification (germline): Uncertain significance. Review status: criteria provided, multiple submitters, no conflicts (2 of 4 stars). 2 submissions from 2 submitters: Uncertain significance (2). Last evaluated 2024-04-15.

Conditions:
Congenital dyserythropoietic anemia, type I. Also called: Dyserythropoietic anemia, congenital type 1. Identifiers: Orphanet 98869, MedGen C0271933, MONDO:0020337. Disease mechanism: loss of function.

Allele frequency attached by ClinVar (database versions not stated): gnomAD 0.00001; TOPMed 0.00001; gnomAD exomes 0.00003; 1000 Genomes Project 30x 0.00031.
gnomAD v4.1: 15 of 1,469,082 alleles (0.001%); highest among the groups gnomAD compares: East Asian, 0.016%; no homozygotes.

Submissions (2):

Labcorp Genetics (formerly Invitae), Labcorp
Classification: Uncertain significance. Last evaluated: 2024-04-15. Review status: criteria provided, single submitter. Criteria: Invitae Variant Classification Sherloc (09022015). Collection method: clinical testing. Allele origin: germline.
Comment: This sequence change replaces arginine, which is basic and polar, with histidine, which is basic and polar, at codon 131 of the CDAN1 protein (p.Arg131His). The frequency data for this variant in the population databases is considered unreliable, as metrics indicate poor data quality at this position in the gnomAD database. This variant has not been reported in the literature in individuals affected with CDAN1-related conditions. ClinVar contains an entry for this variant (Variation ID: 888409). An algorithm developed to predict the effect of missense changes on protein structure and function (PolyPhen-2) suggests that this variant is likely to be disruptive. In summary, the available evidence is currently insufficient to determine the role of this variant in disease. Therefore, it has been classified as a Variant of Uncertain Significance.

Illumina Laboratory Services, Illumina
Classification: Uncertain significance for Anemia, congenital dyserythropoietic, type 1a. Last evaluated: 2017-04-28. Review status: criteria provided, single submitter. Criteria: ICSL Variant Classification Criteria 13 December 2019. Collection method: clinical testing. Allele origin: germline.
Comment: This variant was observed as part of a predisposition screen in an ostensibly healthy population. A literature search was performed for the gene, cDNA change, and amino acid change (where applicable). Publications were found based on this search. However, the evidence from the literature, in combination with allele frequency data from public databases where available, was not sufficient to rule this variant in or out of causing disease. Therefore, this variant is classified as a variant of unknown significance.

Literature cited by the submitters: PubMed 28132690 (cited by Illumina Laboratory Services, Illumina).

NM_138477.4(CDAN1):c.392G>A (p.Arg131His)

Genes: CDAN1 (codanin 1; minus strand), LOC130056931 (ATAC-STARR-seq lymphoblastoid silent region 6376; plus strand). Cytogenetic location: 15q15.2.
Variant type: single nucleotide variant.
Coding change: c.392G>A on transcript NM_138477.4 (MANE Select); coding-DNA position 392, G replaced by A.
Protein change: p.Arg131His; replaces arginine 131 with histidine.
Molecular consequence: missense variant.
Genome position (GRCh38, 1-based): chr15:42,736,479, C>T on the plus strand (G>A on the coding strand, the complement: CDAN1 is on the minus strand). VCF-style: chr15-42736479-C-T. GRCh37 (hg19) VCF-style: chr15-43028677-C-T.
Other names: short protein forms R131H.
Identifiers: ClinVar variation 888409 (VCV000888409.7), dbSNP rs1165157914, ClinGen allele CA392059357.